The following is an entry in ClinVar:

NM_012330.4(KAT6B):c.5554C>T (p.Pro1852Ser)

Gene: KAT6B (lysine acetyltransferase 6B; plus strand). Cytogenetic location: 10q22.2.
Variant type: single nucleotide variant.
Coding change: c.5554C>T on transcript NM_012330.4 (MANE Select); coding-DNA position 5554, C replaced by T.
Protein change: p.Pro1852Ser; replaces proline 1852 with serine.
Molecular consequence: missense variant.
Genome position (GRCh38, 1-based): chr10:75,030,378, C>T. VCF-style: chr10-75030378-C-T. GRCh37 (hg19) VCF-style: chr10-76790136-C-T.
Other names: c.5005C>T, p.Pro1669Ser (NM_001256468.2, NM_001370138.1); c.4678C>T, p.Pro1560Ser (NM_001256469.2, NM_001370142.1, NM_001370139.1 and 2 more transcripts); c.4489C>T, p.Pro1497Ser (NM_001370143.1, NM_001370144.1); c.4516C>T, p.Pro1506Ser (NM_001370132.1); c.3865C>T, p.Pro1289Ser (NM_001370133.1); c.3469C>T, p.Pro1157Ser (NM_001370134.1); c.3211C>T, p.Pro1071Ser (NM_001370135.1); c.5554C>T, p.Pro1852Ser (NM_001370136.1, NM_001370137.1); short protein forms P1289S, P1497S, P1071S, P1157S, P1560S, P1506S, P1669S, P1852S.
Identifiers: ClinVar variation 2728621 (VCV002728621.3), dbSNP rs2549212518, ClinGen allele CA377301683.
Genomic context (GRCh38, chr10:75,030,378, plus strand): 5'-TTGCCTTACAGCCATTCCGCTGCTGTGACTTCCTATGCAAACAGTGCCTCTTTGTCCACA[C>T]CATTAAGTAACACAGGGCTTGTTCAACTTTCTCAGTCTCCACACTCCGTCCCTGGGGGAC-3'
Protein context (NP_036462.2, residues 1842-1862): SYANSASLST[Pro1852Ser]LSNTGLVQLS

ClinVar aggregate classification (germline): Uncertain significance (1 of 4 stars; one submission).

Conditions:
Genitopatellar syndrome (GTPTS). Also called: ABSENT PATELLAE, SCROTAL HYPOPLASIA, RENAL ANOMALIES, FACIAL DYSMORPHISM, AND MENTAL RETARDATION; Genitopatellar syndrome (GPS). Identifiers: Orphanet 85201, MedGen C1853566, MONDO:0011640, OMIM 606170.

Allele frequency attached by ClinVar (database versions not stated): gnomAD exomes below 0.00001.
gnomAD v4.1: 2 of 1,614,216 alleles (0.00012%); highest among the groups gnomAD compares: Non-Finnish European, 0.00017%; no homozygotes.

Submission:

Labcorp Genetics (formerly Invitae), Labcorp
Classification: Uncertain significance for Genitopatellar syndrome. Last evaluated: 2023-02-27. Review status: criteria provided, single submitter. Criteria: Invitae Variant Classification Sherloc (09022015). Collection method: clinical testing. Allele origin: germline.
Comment: An algorithm developed to predict the effect of missense changes on protein structure and function (PolyPhen-2) suggests that this variant is likely to be disruptive. In summary, the available evidence is currently insufficient to determine the role of this variant in disease. Therefore, it has been classified as a Variant of Uncertain Significance. This variant has not been reported in the literature in individuals affected with KAT6B-related conditions. This variant is not present in population databases (gnomAD no frequency). This sequence change replaces proline, which is neutral and non-polar, with serine, which is neutral and polar, at codon 1852 of the KAT6B protein (p.Pro1852Ser).